The following is an entry in ClinVar:

ClinVar aggregate classification (germline): Uncertain significance (1 of 4 stars; one submission).

Conditions:
Neurofibromatosis, type 1 (NF1). Also called: VON RECKLINGHAUSEN DISEASE; NEUROFIBROMATOSIS, TYPE I, SOMATIC; Peripheral type neurofibromatosis; Neurofibromatosis, type I. Identifiers: Orphanet 636, MedGen C0027831, MONDO:0018975, OMIM 162200. Disease mechanism: loss of function.

Submission:

Labcorp Genetics (formerly Invitae), Labcorp
Classification: Uncertain significance for Neurofibromatosis, type 1. Last evaluated: 2023-09-14. Review status: criteria provided, single submitter. Criteria: Invitae Variant Classification Sherloc (09022015). Collection method: clinical testing. Allele origin: germline.
Comment: In summary, the available evidence is currently insufficient to determine the role of this variant in disease. Therefore, it has been classified as a Variant of Uncertain Significance. Advanced modeling of protein sequence and biophysical properties (such as structural, functional, and spatial information, amino acid conservation, physicochemical variation, residue mobility, and thermodynamic stability) performed at Invitae indicates that this missense variant is expected to disrupt NF1 protein function. This variant has not been reported in the literature in individuals affected with NF1-related conditions. This variant is not present in population databases (gnomAD no frequency). This sequence change replaces tyrosine, which is neutral and polar, with asparagine, which is neutral and polar, at codon 1613 of the NF1 protein (p.Tyr1613Asn).

NM_001042492.3(NF1):c.4900T>A (p.Tyr1634Asn)

Gene: NF1 (neurofibromin 1; plus strand). Cytogenetic location: 17q11.2.
Variant type: single nucleotide variant.
Coding change: c.4900T>A on transcript NM_001042492.3 (MANE Select); coding-DNA position 4900, T replaced by A.
Protein change: p.Tyr1634Asn; replaces tyrosine 1634 with asparagine.
Molecular consequence: missense variant.
Genome position (GRCh38, 1-based): chr17:31,325,884, T>A. VCF-style: chr17-31325884-T-A. GRCh37 (hg19) VCF-style: chr17-29652902-T-A.
Other names: c.4837T>A, p.Tyr1613Asn (NM_000267.4); short protein forms Y1613N, Y1634N.
Identifiers: ClinVar variation 2760592 (VCV002760592.3), dbSNP rs2151537705, ClinGen allele CA399007062.
Genomic context (GRCh38, chr17:31,325,884, plus strand): 5'-AAAACTGGTCAAATCAATGGTGATTTGCTGATATACCATGTCTTACTGACTTTAAAGCCA[T>A]ATTATGCAAAGCCATATGAAATTGTAGTGGACCTTACCCATACCGGGCCTAGCAATCGCT-3'
Protein context (NP_001035957.1, residues 1624-1644): IYHVLLTLKP[Tyr1634Asn]YAKPYEIVVD